The following is an entry in ClinVar:

ClinVar aggregate classification (germline): Uncertain significance. Review status: criteria provided, multiple submitters, no conflicts (2 of 4 stars). 2 submissions from 2 submitters: Uncertain significance (2). Last evaluated 2023-04-25.

Conditions:
Cardiomyopathy (CMYO). Also called: Cardiomyopathies. Identifiers: Orphanet 167848, MedGen C0878544, MONDO:0004994, HP:0001638. Inheritance: Various modes of inheritance.
Arrhythmogenic right ventricular dysplasia 5. Also called: Arrhythmogenic Right Ventricular Dysplasia/Cardiomyopathy 5; ARRHYTHMOGENIC RIGHT VENTRICULAR DYSPLASIA, FAMILIAL, 5. Identifiers: MedGen C1858379, MONDO:0011459, OMIM 604400.

Allele frequency attached by ClinVar (database versions not stated): gnomAD exomes below 0.00001.
gnomAD v4.1: 1 of 1,613,150 alleles (0.000062%); highest among the groups gnomAD compares: Non-Finnish European, 0.000085%; no homozygotes.

Submissions (2):

Labcorp Genetics (formerly Invitae), Labcorp
Classification: Uncertain significance for Arrhythmogenic right ventricular dysplasia 5. Last evaluated: 2023-04-25. Review status: criteria provided, single submitter. Criteria: Invitae Variant Classification Sherloc (09022015). Collection method: clinical testing. Allele origin: germline.
Comment: In summary, the available evidence is currently insufficient to determine the role of this variant in disease. Therefore, it has been classified as a Variant of Uncertain Significance. ClinVar contains an entry for this variant (Variation ID: 922807). This variant has not been reported in the literature in individuals affected with TMEM43-related conditions. The frequency data for this variant in the population databases is considered unreliable, as metrics indicate poor data quality at this position in the gnomAD database. This sequence change creates a premature translational stop signal (p.Glu400*) in the TMEM43 gene. While this is not anticipated to result in nonsense mediated decay, it is expected to disrupt the last 1 amino acid(s) of the TMEM43 protein.

Color Diagnostics, LLC DBA Color Health
Classification: Uncertain significance for Cardiomyopathy. Last evaluated: 2019-01-28. Review status: criteria provided, single submitter. Criteria: ACMG Guidelines, 2015. Collection method: clinical testing. Allele origin: germline.
Comment: Variant of Uncertain Significance due to insufficient evidence: This variant changes 1 nucleotide in exon 12 of the TMEM43 gene, creating a premature translation stop signal. This variant is expected to result in an absent or non-functional protein product. Computational splicing tools suggest that this variant may not impact RNA splicing. To our knowledge, functional assays have not been performed for this variant nor has this variant been reported in individuals affected with cardiovascular disorders in the literature. This variant is rare in the general population and has been identified in 0/277264 chromosomes by the Genome Aggregation Database (gnomAD). The role of TMEM43 truncation variants in cardiomyopathy is not clearly established. Available evidence is insufficient to determine the role of this variant in disease conclusively.

NM_024334.3(TMEM43):c.1198G>T (p.Glu400Ter)

Gene: TMEM43 (transmembrane protein 43; plus strand). Cytogenetic location: 3p25.1.
Variant type: single nucleotide variant.
Coding change: c.1198G>T on transcript NM_024334.3 (MANE Select); coding-DNA position 1198, G replaced by T.
Protein change: p.Glu400Ter; replaces glutamic acid 400 with a stop codon.
Molecular consequence: nonsense.
Genome position (GRCh38, 1-based): chr3:14,141,790, G>T. VCF-style: chr3-14141790-G-T. GRCh37 (hg19) VCF-style: chr3-14183290-G-T.
Other names: short protein forms E400*.
Identifiers: ClinVar variation 922807 (VCV000922807.6), dbSNP rs1252529536, ClinGen allele CA351536722.